The following is an entry in ClinVar:

ClinVar aggregate classification (germline): Uncertain significance. Review status: criteria provided, multiple submitters, no conflicts (2 of 4 stars). 2 submissions from 2 submitters: Uncertain significance (2). Last evaluated 2022-08-15.

Conditions:
Ataxia-telangiectasia syndrome (AT). Also called: Ataxia telangiectasia (A-T); ATAXIA-TELANGIECTASIA, COMPLEMENTATION GROUP A; ATAXIA-TELANGIECTASIA, FRESNO VARIANT; Ataxia-telangiectasia, complementation group D; AT, COMPLEMENTATION GROUP C; Ataxia-telangiectasia, complementation group E. Identifiers: Orphanet 100, MedGen C0004135, MONDO:0008840, OMIM 208900.
Hereditary cancer-predisposing syndrome. Also called: Hereditary neoplastic syndrome; Neoplastic Syndromes, Hereditary; Hereditary Cancer Syndrome; Tumor predisposition. Identifiers: Orphanet 140162, MedGen C0027672, MeSH D009386, MONDO:0015356.

Submissions (2):

Labcorp Genetics (formerly Invitae), Labcorp
Classification: Uncertain significance for Ataxia-telangiectasia syndrome. Last evaluated: 2022-08-15. Review status: criteria provided, single submitter. Criteria: Invitae Variant Classification Sherloc (09022015). Collection method: clinical testing. Allele origin: germline.
Comment: In summary, the available evidence is currently insufficient to determine the role of this variant in disease. Therefore, it has been classified as a Variant of Uncertain Significance. Advanced modeling of protein sequence and biophysical properties (such as structural, functional, and spatial information, amino acid conservation, physicochemical variation, residue mobility, and thermodynamic stability) performed at Invitae indicates that this missense variant is not expected to disrupt ATM protein function. ClinVar contains an entry for this variant (Variation ID: 1171173). This variant has not been reported in the literature in individuals affected with ATM-related conditions. This variant is not present in population databases (gnomAD no frequency). This sequence change replaces glutamic acid, which is acidic and polar, with alanine, which is neutral and non-polar, at codon 304 of the ATM protein (p.Glu304Ala).

Color Diagnostics, LLC DBA Color Health
Classification: Uncertain significance for Hereditary cancer-predisposing syndrome. Last evaluated: 2020-06-30. Review status: criteria provided, single submitter. Criteria: ACMG Guidelines, 2015. Collection method: clinical testing. Allele origin: germline.
Comment: This missense variant replaces glutamic acid with alanine at codon 304 of the ATM protein. Computational prediction suggests that this variant may not impact protein structure and function (internally defined REVEL score threshold <= 0.5, PMID: 27666373). To our knowledge, functional studies have not been reported for this variant. This variant has not been reported in individuals affected with hereditary cancer in the literature. This variant has not been identified in the general population by the Genome Aggregation Database (gnomAD). The available evidence is insufficient to determine the role of this variant in disease conclusively. Therefore, this variant is classified as a Variant of Uncertain Significance.

NM_000051.4(ATM):c.911A>C (p.Glu304Ala)

Gene: ATM (ATM serine/threonine kinase; plus strand). Cytogenetic location: 11q22.3.
Variant type: single nucleotide variant.
Coding change: c.911A>C on transcript NM_000051.4 (MANE Select); coding-DNA position 911, A replaced by C.
Protein change: p.Glu304Ala; replaces glutamic acid 304 with alanine.
Molecular consequence: missense variant.
Genome position (GRCh38, 1-based): chr11:108,246,973, A>C. VCF-style: chr11-108246973-A-C. GRCh37 (hg19) VCF-style: chr11-108117700-A-C.
Other names: c.911A>C, p.Glu304Ala (NM_001351834.2); short protein forms E304A.
Identifiers: ClinVar variation 1171173 (VCV001171173.10), dbSNP rs2135264712, ClinGen allele CA382530483.
Genomic context (GRCh38, chr11:108,246,973, plus strand): 5'-TGTAAACAGAGTACATACATAAAAATTACATTTTAATTTTTTGGATTACAGGTGCTTATG[A>C]ATCAACAAAATGGAGAAGTATTTTATACAACTTATATGATCTGCTAGTGAATGAGATAAG-3'
Protein context (NP_000042.3, residues 294-314): GAKTQEKGAY[Glu304Ala]STKWRSILYN